The following is an entry in ClinVar:

ClinVar aggregate classification (germline): Uncertain significance (1 of 4 stars; one submission).

Allele frequency attached by ClinVar (database versions not stated): gnomAD exomes below 0.00001.

Submission:

Labcorp Genetics (formerly Invitae), Labcorp
Classification: Uncertain significance. Last evaluated: 2022-03-15. Review status: criteria provided, single submitter. Criteria: Invitae Variant Classification Sherloc (09022015). Collection method: clinical testing. Allele origin: germline.
Comment: In summary, the available evidence is currently insufficient to determine the role of this variant in disease. Therefore, it has been classified as a Variant of Uncertain Significance. Algorithms developed to predict the effect of missense changes on protein structure and function output the following: SIFT: "Tolerated"; PolyPhen-2: "Benign"; Align-GVGD: "Class C0". The leucine amino acid residue is found in multiple mammalian species, which suggests that this missense change does not adversely affect protein function. This variant has not been reported in the literature in individuals affected with SPEG-related conditions. This variant is not present in population databases (gnomAD no frequency). This sequence change replaces phenylalanine, which is neutral and non-polar, with leucine, which is neutral and non-polar, at codon 2488 of the SPEG protein (p.Phe2488Leu).

NM_005876.5(SPEG):c.7462T>C (p.Phe2488Leu)

Genes: ASIC4-AS1 (ASIC4 antisense RNA 1; minus strand), SPEG (striated muscle enriched protein kinase; plus strand). Cytogenetic location: 2q35.
Variant type: single nucleotide variant.
Coding change: c.7462T>C on transcript NM_005876.5 (MANE Select); coding-DNA position 7462, T replaced by C.
Protein change: p.Phe2488Leu; replaces phenylalanine 2488 with leucine.
Molecular consequence: missense variant.
Genome position (GRCh38, 1-based): chr2:219,484,925, T>C. VCF-style: chr2-219484925-T-C. GRCh37 (hg19) VCF-style: chr2-220349647-T-C.
Other names: short protein forms F2488L.
Identifiers: ClinVar variation 2104169 (VCV002104169.4), dbSNP rs2545949037, ClinGen allele CA350702623.